The following is an entry in ClinVar:

ClinVar aggregate classification (germline): Pathogenic (3 of 4 stars; one submission).

Conditions:
Phenylketonuria (PKU). Also called: Phenylketonurias; OLIGOPHRENIA PHENYLPYRUVICA; FOLLING DISEASE; Phenylketonuria (PKU). Identifiers: Orphanet 716, MedGen C0031485, MONDO:0009861, OMIM 261600. Disease mechanism: loss of function.

Submission:

ClinGen PAH Variant Curation Expert Panel
Classification: Pathogenic for Phenylketonuria. Last evaluated: 2022-07-30. Review status: reviewed by expert panel. Criteria: ClinGen PAH ACMG Specifications v1. Collection method: curation. Allele origin: germline. Inheritance: Autosomal recessive inheritance.
Comment: The nonsense variant c.1176dup (p.Asn393Ter) occurs in exon 11 and is predicted to result in NMD. The variant is absent from population databases. At least one classical PKU patient has been reported (PMID: 20188615) homozygous for this variant. In summary, this variant meets criteria to be classified as Pathogenic for PAH. PAH-specific ACMG/AMP criteria applied: PVS1, PM2, PM3_supporting, PP4.

NM_000277.3(PAH):c.1176dup (p.Asn393Ter)

Gene: PAH (phenylalanine hydroxylase; minus strand). Cytogenetic location: 12q23.2.
Variant type: Duplication.
Coding change: c.1176dup on transcript NM_000277.3 (MANE Select); coding-DNA position 1176, one base duplicated (T; older notation c.1176dupT).
Protein change: p.Asn393Ter; replaces asparagine 393 with a stop codon.
Molecular consequence: nonsense.
Genome position (GRCh38, 1-based): chr12:102,843,669, A duplicated on the plus strand (T on the coding strand, the reverse complement: PAH is on the minus strand); the first of 4 consecutive A bases (chr12:102,843,669-102,843,672); duplicating any one gives the same sequence. VCF-style (leftmost placement, unchanged base first): chr12-102843668-T-TA. GRCh37 (hg19) VCF-style: chr12-103237446-T-TA.
Other names: NM_001354304.2:c.1176dup; c.1176dup, p.Asn393Ter (NM_001354304.2); short protein forms N393*.
Identifiers: ClinVar variation 1810382 (VCV001810382.1), dbSNP rs2499613973, ClinGen allele CA1139768925.